The following is an entry in ClinVar:

ClinVar aggregate classification (germline): Likely pathogenic (1 of 4 stars; one submission).

Conditions:
Congenital microcephaly - severe encephalopathy - progressive cerebral atrophy syndrome. Also called: ASNS DEFICIENCY; Asparagine synthetase deficiency. Identifiers: Orphanet 391376, MedGen C3809971, MONDO:0014258, OMIM 615574.

Submission:

Natera, Inc.
Classification: Likely pathogenic for Asparagine synthetase deficiency. Last evaluated: 2025-03-24. Review status: criteria provided, single submitter. Criteria: Natera Variant Classification Schema (03/2026). Collection method: clinical testing. Allele origin: germline.
Comment: The c.673+2T>A variant in ASNS is a canonical splice donor site variant predicted to affect pre-mRNA splicing, which may result in an abnormal transcript and altered protein product. This variant is expected to result in nonsense mediated decay, truncation, or a dysfunctional protein product. This variant is rare in the general population with a frequency below the threshold expected for the associated phenotype(s). Given the available evidence, this variant is classified as Likely Pathogenic.

NM_001673.5(ASNS):c.673+2T>A

Genes: ASNS (asparagine synthetase (glutamine-hydrolyzing); minus strand), CZ1P-ASNS (CZ1P-ASNS readthrough; minus strand). Cytogenetic location: 7q21.3.
Variant type: single nucleotide variant.
Coding change: c.673+2T>A on transcript NM_001673.5 (MANE Select); the canonical splice donor site of the intron after coding-DNA position 673, T replaced by A.
Molecular consequence: splice donor variant.
Genome position (GRCh38, 1-based): chr7:97,859,211, A>T on the plus strand (T>A on the coding strand, the complement: ASNS is on the minus strand). VCF-style: chr7-97859211-A-T. GRCh37 (hg19) VCF-style: chr7-97488523-A-T.
Other names: c.673+2T>A (NM_001352496.2, NM_183356.4, NM_133436.3); c.424+2T>A (NM_001178076.2, NM_001178077.1); c.610+2T>A (NM_001178075.2).
Identifiers: ClinVar variation 4061873 (VCV004061873.2).